The following is an entry in ClinVar:

ClinVar aggregate classification (germline): Uncertain significance (1 of 4 stars; one submission).

Allele frequency attached by ClinVar (database versions not stated): gnomAD exomes below 0.00001.
gnomAD v4.1: 5 of 1,578,290 alleles (0.00032%); highest among the groups gnomAD compares: Non-Finnish European, 0.00035%; no homozygotes.

Submission:

Labcorp Genetics (formerly Invitae), Labcorp
Classification: Uncertain significance. Last evaluated: 2022-03-11. Review status: criteria provided, single submitter. Criteria: Invitae Variant Classification Sherloc (09022015). Collection method: clinical testing. Allele origin: germline.
Comment: This sequence change replaces glutamic acid, which is acidic and polar, with glycine, which is neutral and non-polar, at codon 97 of the PPA2 protein (p.Glu97Gly). In summary, the available evidence is currently insufficient to determine the role of this variant in disease. Therefore, it has been classified as a Variant of Uncertain Significance. Algorithms developed to predict the effect of missense changes on protein structure and function (SIFT, PolyPhen-2, Align-GVGD) all suggest that this variant is likely to be disruptive. This variant has not been reported in the literature in individuals affected with PPA2-related conditions. This variant is not present in population databases (gnomAD no frequency).

NM_176869.3(PPA2):c.290A>G (p.Glu97Gly)

Gene: PPA2 (inorganic pyrophosphatase 2; minus strand). Cytogenetic location: 4q24.
Variant type: single nucleotide variant.
Coding change: c.290A>G on transcript NM_176869.3 (MANE Select); coding-DNA position 290, A replaced by G.
Protein change: p.Glu97Gly; replaces glutamic acid 97 with glycine.
Molecular consequence: missense variant. On other transcripts: intron variant (2).
Genome position (GRCh38, 1-based): chr4:105,449,381, T>C on the plus strand (A>G on the coding strand, the complement: PPA2 is on the minus strand). VCF-style: chr4-105449381-T-C. GRCh37 (hg19) VCF-style: chr4-106370538-T-C.
Other names: c.290A>G, p.Glu97Gly (NM_006903.4); c.157+24513A>G (NM_176867.3); c.222+7300A>G (NM_176866.2); short protein forms E97G.
Identifiers: ClinVar variation 1974267 (VCV001974267.3), dbSNP rs2477255737, ClinGen allele CA357803578.
Genomic context (GRCh38, chr4:105,449,381, plus strand): 5'-GGTTTCATATTAATAAAGTATATCGGTACCTCCATTTTAGCATTTGTCCACCGAGGTATT[T>C]CTACAATCATATTAAACAGATTCTGCAGTTAAAAACAAAACAAAGAGAGAACATTAAAAA-3'
Protein context (NP_789845.1, residues 87-107): EYENLFNMIV[Glu97Gly]IPRWTNAKME